The following is an entry in ClinVar:

ClinVar aggregate classification (germline): Uncertain significance. Review status: criteria provided, multiple submitters, no conflicts (2 of 4 stars). 2 submissions from 2 submitters: Uncertain significance (2). Last evaluated 2024-10-24.

Conditions:
Autosomal dominant Robinow syndrome 1. Also called: ACRAL DYSOSTOSIS WITH FACIAL AND GENITAL ABNORMALITIES; Covesdem syndrome (formerly); Costovertebral segmentation defect with mesomelia (formerly); FETAL FACE SYNDROME; ROBINOW DWARFISM; WNT5A-Related Robinow Syndrome, Autosomal Dominant. Identifiers: Orphanet 3107, Orphanet 97360, MedGen C4551475, MONDO:0024455, OMIM 180700.

Allele frequency attached by ClinVar (database versions not stated): ExAC 0.00002; gnomAD exomes 0.00002 and 0.00004; gnomAD 0.00003; TOPMed 0.00003.
gnomAD v4.1: 66 of 1,612,752 alleles (0.0041%); highest among the groups gnomAD compares: Non-Finnish European, 0.0053%; no homozygotes.

Submissions (2):

Labcorp Genetics (formerly Invitae), Labcorp
Classification: Uncertain significance. Last evaluated: 2024-10-24. Review status: criteria provided, single submitter. Criteria: Invitae Variant Classification Sherloc (09022015). Collection method: clinical testing. Allele origin: germline.
Comment: This sequence change replaces glutamic acid, which is acidic and polar, with lysine, which is basic and polar, at codon 212 of the WNT5A protein (p.Glu212Lys). This variant is present in population databases (rs766388444, gnomAD 0.004%). This variant has not been reported in the literature in individuals affected with WNT5A-related conditions. ClinVar contains an entry for this variant (Variation ID: 1046361). Invitae Evidence Modeling of protein sequence and biophysical properties (such as structural, functional, and spatial information, amino acid conservation, physicochemical variation, residue mobility, and thermodynamic stability) indicates that this missense variant is not expected to disrupt WNT5A protein function with a negative predictive value of 80%. In summary, the available evidence is currently insufficient to determine the role of this variant in disease. Therefore, it has been classified as a Variant of Uncertain Significance.

Fulgent Genetics
Classification: Uncertain significance for Autosomal dominant Robinow syndrome 1. Last evaluated: 2022-03-22. Review status: criteria provided, single submitter. Criteria: ACMG Guidelines, 2015. Collection method: clinical testing. Allele origin: unknown.

NM_003392.7(WNT5A):c.634G>A (p.Glu212Lys)

Gene: WNT5A (Wnt family member 5A; minus strand). Cytogenetic location: 3p14.3.
Variant type: single nucleotide variant.
Coding change: c.634G>A on transcript NM_003392.7 (MANE Select); coding-DNA position 634, G replaced by A.
Protein change: p.Glu212Lys; replaces glutamic acid 212 with lysine.
Molecular consequence: missense variant.
Genome position (GRCh38, 1-based): chr3:55,474,387, C>T on the plus strand (G>A on the coding strand, the complement: WNT5A is on the minus strand). VCF-style: chr3-55474387-C-T. GRCh37 (hg19) VCF-style: chr3-55508415-C-T.
Other names: c.589G>A, p.Glu197Lys (NM_001256105.1, NM_001377271.1, NM_001377272.1); short protein forms E212K, E197K.
Identifiers: ClinVar variation 1046361 (VCV001046361.6), dbSNP rs766388444, ClinGen allele CA2459014.